The following is an entry in ClinVar:

ClinVar aggregate classification (germline): Pathogenic. Review status: criteria provided, multiple submitters, no conflicts (2 of 4 stars). 2 submissions from 2 submitters: Pathogenic (2). Last evaluated 2023-11-08.

Conditions:
Rhabdoid tumor predisposition syndrome 2 (RTPS2). Identifiers: Orphanet 231108, Orphanet 69077, MedGen C2750074, MONDO:0013224, OMIM 613325.

Submissions (2):

Labcorp Genetics (formerly Invitae), Labcorp
Classification: Pathogenic for Rhabdoid tumor predisposition syndrome 2. Last evaluated: 2023-11-08. Review status: criteria provided, single submitter. Criteria: Invitae Variant Classification Sherloc (09022015). Collection method: clinical testing. Allele origin: germline.
Comment: This sequence change creates a premature translational stop signal (p.Phe975Serfs*44) in the SMARCA4 gene. It is expected to result in an absent or disrupted protein product. Loss-of-function variants in SMARCA4 are known to be pathogenic (PMID: 24658001, 24658002). This variant is not present in population databases (gnomAD no frequency). This variant has not been reported in the literature in individuals affected with SMARCA4-related conditions. ClinVar contains an entry for this variant (Variation ID: 212245). For these reasons, this variant has been classified as Pathogenic.

Genetic Services Laboratory, University of Chicago
Classification: Pathogenic for Rhabdoid tumor predisposition syndrome 2. Last evaluated: 2014-11-21. Review status: criteria provided, single submitter. Criteria: ACMG Guidelines, 2015. Collection method: clinical testing. Allele origin: germline. Affected: yes.

Literature cited by the submitters: PubMed 24658001 (cited by Labcorp Genetics (formerly Invitae), Labcorp); PubMed 24658002 (cited by Labcorp Genetics (formerly Invitae), Labcorp).

NM_003072.5(SMARCA4):c.2922del (p.Phe975fs)

Gene: SMARCA4 (SWI/SNF related BAF chromatin remodeling complex subunit ATPase 4; plus strand). Cytogenetic location: 19p13.2.
Variant type: Deletion.
Coding change: c.2922del on transcript NM_003072.5 (MANE Select); coding-DNA position 2922, one base deleted (C; older notation c.2922delC).
Protein change: p.Phe975fs; shifts the reading frame from phenylalanine 975.
Molecular consequence: frameshift variant. On other transcripts: non-coding transcript variant (1).
Genome position (GRCh38, 1-based): chr19:11,023,580, C deleted; the last of 3 consecutive C bases (chr19:11,023,578-11,023,580); deleting any one gives the same sequence. VCF-style (leftmost placement, unchanged base first): chr19-11023577-GC-G. GRCh37 (hg19) VCF-style: chr19-11134253-GC-G.
Other names: c.2922del, p.Phe975fs (NM_001128844.3, NM_001128845.2, NM_001128846.2 and 5 more transcripts); short protein forms F975fs.
Identifiers: ClinVar variation 212245 (VCV000212245.9), dbSNP rs797045980, ClinGen allele CA206473.